The following is an entry in ClinVar:

ClinVar aggregate classification (germline): Conflicting classifications of pathogenicity. Review status: criteria provided, conflicting classifications (1 of 4 stars). 7 submissions from 7 submitters: Uncertain significance (5); Benign (1). 1 of the submissions does not count toward it. Last evaluated 2025-03-16.

Conditions:
Familial thoracic aortic aneurysm and aortic dissection (TAAD). Also called: Thoracic aortic aneurysms and dissections. Identifiers: Orphanet 91387, MedGen C4707243, MONDO:0019625.
Marfan syndrome (MFS). Also called: FBN1-Related Marfan Syndrome; Marfan syndrome type 1; Marfan's syndrome; Marfan syndrome, classic; MARFAN SYNDROME, TYPE I. Identifiers: Orphanet 284963, Orphanet 558, MedGen C0024796, MONDO:0007947, OMIM 154700.

Allele frequency attached by ClinVar (database versions not stated): gnomAD exomes 0.00001 and below 0.00001; ExAC 0.00001; TOPMed 0.00002; ESP Exome Variant Server 0.00008.
gnomAD v4.1: 5 of 1,614,086 alleles (0.00031%); highest among the groups gnomAD compares: African/African-American, 0.0027%; no homozygotes.

Submissions (7):

Labcorp Genetics (formerly Invitae), Labcorp
Classification: Benign for Marfan syndrome; Familial thoracic aortic aneurysm and aortic dissection. Last evaluated: 2025-03-16. Review status: criteria provided, single submitter. Criteria: Invitae Variant Classification Sherloc (09022015). Collection method: clinical testing. Allele origin: germline.

All of Us Research Program, National Institutes of Health
Classification: Uncertain significance for Marfan syndrome. Last evaluated: 2024-09-23. Review status: criteria provided, single submitter. Criteria: ACMG Guidelines, 2015. Collection method: clinical testing. Allele origin: germline. Inheritance: Autosomal dominant inheritance. Observed: 6 variant alleles, 6 heterozygotes.
Comment: This missense variant replaces alanine with threonine at codon 2324 of the FBN1 protein. Computational prediction suggests that this variant may not impact protein structure and function (internally defined REVEL score threshold <= 0.5, PMID: 27666373). To our knowledge, functional studies have not been reported for this variant. This variant has not been reported in individuals affected with cardiovascular disorders in the literature. This variant has been identified in 3/251214 chromosomes in the general population by the Genome Aggregation Database (gnomAD). The available evidence is insufficient to determine the role of this variant in disease conclusively. Therefore, this variant is classified as a Variant of Uncertain Significance.

This study involves interpretation of variants in research participants for the purpose of population health screening. Participant phenotype was not available at the time of variant classification. Additional details can be found in publication PMID: 35346344, PMCID: PMC8962531

Color Diagnostics, LLC DBA Color Health
Classification: Uncertain significance for Familial thoracic aortic aneurysm and aortic dissection. Last evaluated: 2023-07-26. Review status: criteria provided, single submitter. Criteria: ACMG Guidelines, 2015. Collection method: clinical testing. Allele origin: germline.
Comment: This missense variant replaces alanine with threonine at codon 2324 of the FBN1 protein. Computational prediction suggests that this variant may not impact protein structure and function (internally defined REVEL score threshold <= 0.5, PMID: 27666373). To our knowledge, functional studies have not been reported for this variant. This variant has not been reported in individuals affected with FBN1-related disorders in the literature. This variant has been identified in 3/251214 chromosomes in the general population by the Genome Aggregation Database (gnomAD). The available evidence is insufficient to determine the role of this variant in disease conclusively. Therefore, this variant is classified as a Variant of Uncertain Significance.

Women's Health and Genetics/Laboratory Corporation of America, LabCorp
Classification: Uncertain significance. Last evaluated: 2023-05-04. Review status: criteria provided, single submitter. Criteria: LabCorp Variant Classification Summary - May 2015. Collection method: clinical testing. Allele origin: germline.
Comment: Variant summary: FBN1 c.6970G>A (p.Ala2324Thr) results in a non-conservative amino acid change located in the EGF-like domain (IPR000742) of the encoded protein sequence. Three of five in-silico tools predict a benign effect of the variant on protein function. The variant allele was found at a frequency of 1.2e-05 in 255766 control chromosomes (gnomAD). The available data on variant occurrences in the general population are insufficient to allow any conclusion about variant significance. To our knowledge, no occurrence of c.6970G>A in individuals affected with Marfan Syndrome and no experimental evidence demonstrating its impact on protein function have been reported. Five ClinVar submitters (evaluation after 2014) cite this variant as uncertain significance (n=4) and benign (n=1). Based on the evidence outlined above, the variant was classified as uncertain significance.

GeneDx
Classification: Uncertain significance. Last evaluated: 2020-10-14. Review status: criteria provided, single submitter. Criteria: GeneDx Variant Classification Process June 2021. Collection method: clinical testing. Allele origin: germline. Affected: yes.
Comment: Reported as an unclassified variant in a review of several curated databases (Groth et al., 2017); In silico analysis, which includes protein predictors and evolutionary conservation, supports that this variant does not alter protein structure/function; Reported in ClinVar but additional evidence is not available (ClinVar Variant ID# 36109; Landrum et al., 2016); Although located in a calcium-binding EGF-like domain of the FBN1 gene, it does not affect a cysteine residue within this domain; cysteine substitutions in the calcium-binding EGF-like domains represent the majority of pathogenic missense changes associated with FBN1-related disorders (Collod-Beroud et al., 2003).; Not observed at a significant frequency in large population cohorts (Lek et al., 2016); This variant is associated with the following publications: (PMID: 27906200, 31589614)

CHEO Genetics Diagnostic Laboratory, Children's Hospital of Eastern Ontario
Classification: Uncertain significance for Familial thoracic aortic aneurysm and aortic dissection. Last evaluated: 2017-10-25. Review status: criteria provided, single submitter. Criteria: ACMG Guidelines, 2015. Collection method: clinical testing. Allele origin: germline. Study: Canadian Open Genetics Repository.

Center for Medical Genetics Ghent, University of Ghent
Classification: Uncertain significance for Marfan syndrome. Last evaluated: 2017-11-07. Review status: no assertion criteria provided. Collection method: clinical testing. Allele origin: germline. Affected: yes. Not counted in ClinVar's aggregate classification.

NM_000138.5(FBN1):c.6970G>A (p.Ala2324Thr)

Gene: FBN1 (fibrillin 1; minus strand). Cytogenetic location: 15q21.1.
Variant type: single nucleotide variant.
Coding change: c.6970G>A on transcript NM_000138.5 (MANE Select); coding-DNA position 6970, G replaced by A.
Protein change: p.Ala2324Thr; replaces alanine 2324 with threonine.
Molecular consequence: missense variant.
Genome position (GRCh38, 1-based): chr15:48,428,373, C>T on the plus strand (G>A on the coding strand, the complement: FBN1 is on the minus strand). VCF-style: chr15-48428373-C-T. GRCh37 (hg19) VCF-style: chr15-48720570-C-T.
Other names: short protein forms A2324T.
Identifiers: ClinVar variation 36109 (VCV000036109.17), dbSNP rs148831709, ClinGen allele CA016873.
Genomic context (GRCh38, chr15:48,428,373, plus strand): 5'-AGGTTAGGAAAGTGCGGTGCCAACTGTACTCACCAAGGCACTCGTCCTGGTTGGGGCTGG[C>T]GGTAAACCCATCATTACACTCACAGGTGTAGCTCCCACGGGTGTTGAGGCAGCGCCCATT-3'
Protein context (NP_000129.3, residues 2314-2334): YTCECNDGFT[Ala2324Thr]SPNQDECLDN